The following is an entry in ClinVar:

NM_001035.3(RYR2):c.11067G>A (p.Met3689Ile)

Gene: RYR2 (ryanodine receptor 2; plus strand). Cytogenetic location: 1q43.
Variant type: single nucleotide variant.
Coding change: c.11067G>A on transcript NM_001035.3 (MANE Select); coding-DNA position 11067, G replaced by A.
Protein change: p.Met3689Ile; replaces methionine 3689 with isoleucine.
Molecular consequence: missense variant.
Genome position (GRCh38, 1-based): chr1:237,733,732, G>A. VCF-style: chr1-237733732-G-A. GRCh37 (hg19) VCF-style: chr1-237897032-G-A.
Other names: short protein forms M3689I.
Identifiers: ClinVar variation 4800110 (VCV004800110.1).

ClinVar aggregate classification (germline): Uncertain significance (1 of 4 stars; one submission).

Conditions:
Catecholaminergic polymorphic ventricular tachycardia 1. Also called: VENTRICULAR TACHYCARDIA, STRESS-INDUCED POLYMORPHIC 1; RYR2-Related Catecholaminergic Polymorphic Ventricular Tachycardia; VENTRICULAR TACHYCARDIA, CATECHOLAMINERGIC POLYMORPHIC, 1, WITH OR WITHOUT ATRIAL DYSFUNCTION AND/OR DILATED CARDIOMYOPATHY. Identifiers: Orphanet 3286, MedGen C1631597, MONDO:0011484, OMIM 604772.

Submission:

Labcorp Genetics (formerly Invitae), Labcorp
Classification: Uncertain significance for Catecholaminergic polymorphic ventricular tachycardia 1. Last evaluated: 2025-10-09. Review status: criteria provided, single submitter. Criteria: Invitae Variant Classification Sherloc (09022015). Collection method: clinical testing. Allele origin: germline.
Comment: This sequence change replaces methionine, which is neutral and non-polar, with isoleucine, which is neutral and non-polar, at codon 3689 of the RYR2 protein (p.Met3689Ile). This variant is not present in population databases (gnomAD no frequency). This variant has not been reported in the literature in individuals affected with RYR2-related conditions. Invitae Evidence Modeling of protein sequence and biophysical properties (such as structural, functional, and spatial information, amino acid conservation, physicochemical variation, residue mobility, and thermodynamic stability) indicates that this missense variant is not expected to disrupt RYR2 protein function with a negative predictive value of 95%. In summary, the available evidence is currently insufficient to determine the role of this variant in disease. Therefore, it has been classified as a Variant of Uncertain Significance.